The following is an entry in ClinVar:

ClinVar aggregate classification (germline): Uncertain significance (1 of 4 stars; one submission).

Submission:

Labcorp Genetics (formerly Invitae), Labcorp
Classification: Uncertain significance. Last evaluated: 2023-05-29. Review status: criteria provided, single submitter. Criteria: Invitae Variant Classification Sherloc (09022015). Collection method: clinical testing. Allele origin: germline.
Comment: This sequence change replaces glycine, which is neutral and non-polar, with serine, which is neutral and polar, at codon 271 of the YME1L1 protein (p.Gly271Ser). This variant is not present in population databases (gnomAD no frequency). This variant has not been reported in the literature in individuals affected with YME1L1-related conditions. An algorithm developed to predict the effect of missense changes on protein structure and function (PolyPhen-2) suggests that this variant is likely to be disruptive. In summary, the available evidence is currently insufficient to determine the role of this variant in disease. Therefore, it has been classified as a Variant of Uncertain Significance.

NM_014263.4(YME1L1):c.640G>A (p.Gly214Ser)

Gene: YME1L1 (YME1 like 1 ATPase; minus strand). Cytogenetic location: 10p12.1.
Variant type: single nucleotide variant.
Coding change: c.640G>A on transcript NM_014263.4 (MANE Select); coding-DNA position 640, G replaced by A.
Protein change: p.Gly214Ser; replaces glycine 214 with serine.
Molecular consequence: missense variant.
Genome position (GRCh38, 1-based): chr10:27,134,882, C>T on the plus strand (G>A on the coding strand, the complement: YME1L1 is on the minus strand). VCF-style: chr10-27134882-C-T. GRCh37 (hg19) VCF-style: chr10-27423811-C-T.
Other names: c.541G>A, p.Gly181Ser (NM_001253866.2); c.811G>A, p.Gly271Ser (NM_139312.3); short protein forms G181S, G214S, G271S.
Identifiers: ClinVar variation 2822214 (VCV002822214.3), dbSNP rs2539449570, ClinGen allele CA376375013.
Genomic context (GRCh38, chr10:27,134,882, plus strand): 5'-TCAACTTACCATTGGTTTTTTGTGTGAGTGCTTGAGCTTTCAGAAAACCTTCCGCAAAAC[C>T]AGTTTTAAATGCATCTTGGTGAGCTTCAGGTATATTTTTGGTTTTCATGAGTTTGTCCAA-3'
Protein context (NP_055078.1, residues 204-224): PEAHQDAFKT[Gly214Ser]FAEGFLKAQA